The following is an entry in ClinVar:

NM_001127511.3(APC):c.-105G>C

Gene: APC (APC regulator of Wnt signaling pathway; plus strand). Cytogenetic location: 5q22.2.
Variant type: single nucleotide variant.
Coding change: c.-105G>C on transcript NM_001127511.3; 105 bases upstream of the start codon, G replaced by C.
Molecular consequence: 5 prime UTR variant. On other transcripts: non-coding transcript variant (2).
Genome position (GRCh38, 1-based): chr5:112,707,613, G>C. VCF-style: chr5-112707613-G-C. GRCh37 (hg19) VCF-style: chr5-112043310-G-C.
Other names: c.-288G>C (NM_001354895.2, NM_001407447.1, NM_001407452.1 and 3 more transcripts); c.-105G>C (NM_001354897.2, NM_001354902.2, NM_001407446.1); c.-55G>C (NM_001407448.1, NM_001407450.1, NM_001407457.1 and 1 more transcripts); c.-79G>C (NM_001407453.1); c.-1323G>C (NM_001407470.1, NM_001407472.1).
Identifiers: ClinVar variation 651746 (VCV000651746.9), dbSNP rs1337548978, ClinGen allele CA802057187.

ClinVar aggregate classification (germline): Uncertain significance (1 of 4 stars; one submission).

Conditions:
Familial adenomatous polyposis 1 (FAP1). Also called: FAMILIAL ADENOMATOUS POLYPOSIS 1, ATTENUATED; POLYPOSIS, ADENOMATOUS INTESTINAL. Identifiers: MedGen C2713442, MONDO:0021056, OMIM 175100. Disease mechanism: loss of function.

Allele frequency attached by ClinVar (database versions not stated): gnomAD 0.00001; TOPMed 0.00001.
gnomAD v4.1: 1 of 1,238,914 alleles (0.000081%); highest among the groups gnomAD compares: African/African-American, 0.0015%; no homozygotes.

Submission:

Labcorp Genetics (formerly Invitae), Labcorp
Classification: Uncertain significance for Familial adenomatous polyposis 1. Last evaluated: 2026-01-04. Review status: criteria provided, single submitter. Criteria: Invitae Variant Classification Sherloc (09022015). Collection method: clinical testing. Allele origin: germline.
Comment: This variant occurs in a non-coding region of the APC gene. It does not change the encoded amino acid sequence of the APC protein. This variant is not present in population databases (gnomAD no frequency). This variant has not been reported in the literature in individuals affected with APC-related conditions. ClinVar contains an entry for this variant (Variation ID: 651746). Experimental studies and prediction algorithms are not available or were not evaluated, and the functional significance of this variant is currently unknown. In summary, the available evidence is currently insufficient to determine the role of this variant in disease. Therefore, it has been classified as a Variant of Uncertain Significance.